The following is an entry in ClinVar:

NM_145166.4(ZBTB47):c.969T>A (p.Ser323Arg)

Gene: ZBTB47 (zinc finger and BTB domain containing 47; plus strand). Cytogenetic location: 3p22.1.
Variant type: single nucleotide variant.
Coding change: c.969T>A on transcript NM_145166.4 (MANE Select); coding-DNA position 969, T replaced by A.
Protein change: p.Ser323Arg; replaces serine 323 with arginine.
Molecular consequence: missense variant.
Genome position (GRCh38, 1-based): chr3:42,659,324, T>A. VCF-style: chr3-42659324-T-A. GRCh37 (hg19) VCF-style: chr3-42700816-T-A.
Other names: c.1053T>A, p.Ser351Arg (NM_001410746.1); short protein forms S351R, S323R.
Identifiers: ClinVar variation 4203983 (VCV004203983.5).
Genomic context (GRCh38, chr3:42,659,324, plus strand): 5'-GGAGGAGGAAGAGGGTGGCAGTCAGGGAGAAGAGGAAGAAGAGGAGGAGGACGGGCACAG[T>A]GAGCAGGAAGAGGAAGAGGAGGAGGAAGAGGAGGAAGGGCCTAGTGAGCAGGATCAAGAG-3'
Protein context (NP_660149.2, residues 313-333): EEEEEEEDGH[Ser323Arg]EQEEEEEEEE

ClinVar aggregate classification (germline): Conflicting classifications of pathogenicity. Review status: criteria provided, conflicting classifications (1 of 4 stars). 2 submissions from 2 submitters: Uncertain significance (1); Likely benign (1). Last evaluated 2026-03-01.

gnomAD v4.1: 133 of 1,462,782 alleles (0.0091%); highest among the groups gnomAD compares: Middle Eastern, 0.042%; no homozygotes.

Submissions (2):

CeGaT Center for Human Genetics Tuebingen
Classification: Likely benign. Last evaluated: 2026-03-01. Review status: criteria provided, single submitter. Criteria: CeGaT Center For Human Genetics Tuebingen Variant Classification Criteria Version 2. Collection method: clinical testing. Allele origin: germline. Affected: yes. Observed: 1 variant allele.
Comment: ZBTB47: BS2

Ambry Genetics
Classification: Uncertain significance. Last evaluated: 2025-08-29. Review status: criteria provided, single submitter. Criteria: Ambry Variant Classification Scheme 2023. Collection method: clinical testing. Allele origin: germline.